The following is an entry in ClinVar:

ClinVar aggregate classification (germline): Benign/Likely benign. Review status: criteria provided, multiple submitters, no conflicts (2 of 4 stars). 3 submissions from 3 submitters: Benign (1); Likely benign (1). 1 of the submissions does not count toward it. Last evaluated 2025-11-28.

Conditions:
Hereditary sensory and autonomic neuropathy type 6. Also called: HSAN VI; Neuropathy, hereditary sensory and autonomic, type VI. Identifiers: Orphanet 314381, MedGen C3539003, MONDO:0013839, OMIM 614653.
Epidermolysis bullosa simplex 3, localized or generalized intermediate, with BP230 deficiency (EBS3). Also called: Epidermolysis bullosa simplex, autosomal recessive 2; Epidermolysis bullosa simplex due to BP230 deficiency. Identifiers: Orphanet 412181, MedGen C3809470, MONDO:0014180, OMIM 615425.
DST-related disorder. Also called: DST-related condition; DST-related disorders.

Allele frequency attached by ClinVar (database versions not stated): ExAC 0.00062; gnomAD exomes 0.00065 and 0.00040; ESP Exome Variant Server 0.00184; gnomAD 0.00213 and 0.00223; TOPMed 0.00233; 1000 Genomes Project 30x 0.00328; 1000 Genomes Project 0.00379.
gnomAD v4.1: 926 of 1,613,440 alleles (0.057%); highest among the groups gnomAD compares: African/African-American, 0.64%; 2 homozygotes.

Submissions (3):

Labcorp Genetics (formerly Invitae), Labcorp
Classification: Benign for Epidermolysis bullosa simplex 3, localized or generalized intermediate, with BP230 deficiency; Hereditary sensory and autonomic neuropathy type 6. Last evaluated: 2025-11-28. Review status: criteria provided, single submitter. Criteria: Invitae Variant Classification Sherloc (09022015). Collection method: clinical testing. Allele origin: germline.

Blueprint Genetics
Classification: Likely benign. Last evaluated: 2024-05-06. Review status: criteria provided, single submitter. Criteria: ACMG Guidelines, 2015. Collection method: clinical testing. Allele origin: germline.

PreventionGenetics, part of Exact Sciences
Classification: Likely benign for DST-related condition. Last evaluated: 2024-04-12. Review status: no assertion criteria provided. Collection method: clinical testing. Allele origin: germline. Not counted in ClinVar's aggregate classification.
Comment: This variant is classified as likely benign based on ACMG/AMP sequence variant interpretation guidelines (Richards et al. 2015 PMID: 25741868, with internal and published modifications).

NM_001374736.1(DST):c.19344C>A (p.Val6448=)

Gene: DST (dystonin; minus strand). Cytogenetic location: 6p12.1.
Variant type: single nucleotide variant.
Coding change: c.19344C>A on transcript NM_001374736.1 (MANE Select); coding-DNA position 19344, C replaced by A.
Protein change: p.Val6448=; no amino-acid change (valine 6448 retained).
Molecular consequence: synonymous variant.
Genome position (GRCh38, 1-based): chr6:56,506,685, G>T on the plus strand (C>A on the coding strand, the complement: DST is on the minus strand). VCF-style: chr6-56506685-G-T. GRCh37 (hg19) VCF-style: chr6-56371483-G-T.
Other names: c.12987C>A, p.Val4329= (NM_001144769.5); c.12573C>A, p.Val4191= (NM_001144770.2); c.19344C>A, p.Val6448= (NM_001374722.1); c.18384C>A, p.Val6128= (NM_001374729.1); c.12126C>A, p.Val4042= (NM_001374730.1); c.19371C>A, p.Val6457= (NM_001374734.1); c.12453C>A, p.Val4151= (NM_001386100.1, NM_183380.4); c.11475C>A, p.Val3825= (NM_015548.5).
Identifiers: ClinVar variation 795662 (VCV000795662.15), dbSNP rs201031760, ClinGen allele CA3867031.